The following is an entry in ClinVar:

NM_172362.3(KCNH1):c.1283C>A (p.Thr428Asn)

Gene: KCNH1 (potassium voltage-gated channel subfamily H member 1; minus strand). Cytogenetic location: 1q32.2.
Variant type: single nucleotide variant.
Coding change: c.1283C>A on transcript NM_172362.3 (MANE Select); coding-DNA position 1283, C replaced by A.
Protein change: p.Thr428Asn; replaces threonine 428 with asparagine.
Molecular consequence: missense variant.
Genome position (GRCh38, 1-based): chr1:210,919,819, G>T on the plus strand (C>A on the coding strand, the complement: KCNH1 is on the minus strand). VCF-style: chr1-210919819-G-T. GRCh37 (hg19) VCF-style: chr1-211093161-G-T.
Other names: c.1202C>A, p.Thr401Asn (NM_002238.4); short protein forms T401N, T428N.
Identifiers: ClinVar variation 4800017 (VCV004800017.1).

ClinVar aggregate classification (germline): Uncertain significance (1 of 4 stars; one submission).

Submission:

Labcorp Genetics (formerly Invitae), Labcorp
Classification: Uncertain significance. Last evaluated: 2025-07-30. Review status: criteria provided, single submitter. Criteria: Invitae Variant Classification Sherloc (09022015). Collection method: clinical testing. Allele origin: germline.
Comment: This sequence change replaces threonine, which is neutral and polar, with asparagine, which is neutral and polar, at codon 428 of the KCNH1 protein (p.Thr428Asn). This variant is not present in population databases (gnomAD no frequency). This variant has not been reported in the literature in individuals affected with KCNH1-related conditions. Invitae Evidence Modeling of protein sequence and biophysical properties (such as structural, functional, and spatial information, amino acid conservation, physicochemical variation, residue mobility, and thermodynamic stability) has been performed for this missense variant. However, the output from this modeling did not meet the statistical confidence thresholds required to predict the impact of this variant on KCNH1 protein function. In summary, the available evidence is currently insufficient to determine the role of this variant in disease. Therefore, it has been classified as a Variant of Uncertain Significance.